The following is an entry in ClinVar:

ClinVar aggregate classification (germline): Uncertain significance (1 of 4 stars; one submission).

Conditions:
Paroxysmal nonkinesigenic dyskinesia. Also called: Paroxysmal non-kinesigenic dyskinesia. Identifiers: Orphanet 98810, MedGen C1869117, MONDO:0700088.

Submission:

Labcorp Genetics (formerly Invitae), Labcorp
Classification: Uncertain significance for Paroxysmal nonkinesigenic dyskinesia. Last evaluated: 2022-09-13. Review status: criteria provided, single submitter. Criteria: Invitae Variant Classification Sherloc (09022015). Collection method: clinical testing. Allele origin: germline.
Comment: This variant results in a copy number gain of the genomic region encompassing exon(s) 3-10 of the PNKD gene. This region includes the termination codon of the gene. This copy number gain extends beyond the assayed region for this gene and therefore may encompass additional genes. As the precise location of this event is unknown, it may be in tandem or it may be located elsewhere in the genome. This variant has not been reported in the literature in individuals affected with PNKD-related conditions. Experimental studies and prediction algorithms are not available or were not evaluated, and the functional significance of this variant is currently unknown. In summary, the available evidence is currently insufficient to determine the role of this variant in disease. Therefore, it has been classified as a Variant of Uncertain Significance.

NC_000002.11:g.(?_219204486)_(219209704_?)dup

Gene: PNKD (PNKD metallo-beta-lactamase domain containing; plus strand). Cytogenetic location: 2q35.
Variant type: Duplication.
Identifiers: ClinVar variation 2426172 (VCV002426172.3).